The following is an entry in ClinVar:

NM_014714.4(IFT140):c.1782C>A (p.Ser594Arg)

Gene: IFT140 (intraflagellar transport 140; minus strand). Cytogenetic location: 16p13.3.
Variant type: single nucleotide variant.
Coding change: c.1782C>A on transcript NM_014714.4 (MANE Select); coding-DNA position 1782, C replaced by A.
Protein change: p.Ser594Arg; replaces serine 594 with arginine.
Molecular consequence: missense variant.
Genome position (GRCh38, 1-based): chr16:1,566,280, G>T on the plus strand (C>A on the coding strand, the complement: IFT140 is on the minus strand). VCF-style: chr16-1566280-G-T. GRCh37 (hg19) VCF-style: chr16-1616281-G-T.
Other names: short protein forms S594R.
Identifiers: ClinVar variation 1034926 (VCV001034926.8), dbSNP rs2033711810, ClinGen allele CA394206494.

ClinVar aggregate classification (germline): Uncertain significance (1 of 4 stars; one submission).

Conditions:
Saldino-Mainzer syndrome (SRTD9). Also called: CONORENAL SYNDROME; Renal dysplasia, retinal pigmentary dystrophy, cerebellar ataxia and skeletal dysplasia; short-rib thoracic dysplasia 9 with or without polydactyly; SHORT-RIB THORACIC DYSPLASIA 9 WITHOUT POLYDACTYLY. Identifiers: Orphanet 140969, MedGen C1849437, MONDO:0009964, OMIM 266920.

Submission:

Labcorp Genetics (formerly Invitae), Labcorp
Classification: Uncertain significance for Saldino-Mainzer syndrome. Last evaluated: 2020-10-27. Review status: criteria provided, single submitter. Criteria: Invitae Variant Classification Sherloc (09022015). Collection method: clinical testing. Allele origin: germline.
Comment: This variant has not been reported in the literature in individuals with IFT140-related conditions. This variant is not present in population databases (ExAC no frequency). This sequence change replaces serine with arginine at codon 594 of the IFT140 protein (p.Ser594Arg). The serine residue is moderately conserved and there is a moderate physicochemical difference between serine and arginine. Algorithms developed to predict the effect of missense changes on protein structure and function (SIFT, PolyPhen-2, Align-GVGD) all suggest that this variant is likely to be tolerated, but these predictions have not been confirmed by published functional studies and their clinical significance is uncertain. In summary, the available evidence is currently insufficient to determine the role of this variant in disease. Therefore, it has been classified as a Variant of Uncertain Significance.